The following is an entry in ClinVar:

ClinVar aggregate classification (germline): Benign/Likely benign. Review status: criteria provided, multiple submitters, no conflicts (2 of 4 stars). 7 submissions from 7 submitters: Benign (2); Likely benign (3). 2 of the submissions do not count toward it. Last evaluated 2026-02-01.

Allele frequency attached by ClinVar (database versions not stated): 1000 Genomes Project 30x 0.00031; 1000 Genomes Project 0.00040; gnomAD exomes 0.00046 and 0.00064; gnomAD 0.00056; TOPMed 0.00058; ExAC 0.00062; ESP Exome Variant Server 0.00077.
gnomAD v4.1: 804 of 1,613,926 alleles (0.05%); highest among the groups gnomAD compares: Middle Eastern, 1.3%; 2 homozygotes.

Submissions (7):

Labcorp Genetics (formerly Invitae), Labcorp
Classification: Benign. Last evaluated: 2026-02-01. Review status: criteria provided, single submitter. Criteria: Invitae Variant Classification Sherloc (09022015). Collection method: clinical testing. Allele origin: germline.

Laboratory of Genetics, Children's Clinical University Hospital Latvia
Classification: Likely benign. Last evaluated: 2025-02-16. Review status: criteria provided, single submitter. Criteria: ACMG Guidelines, 2015. Collection method: clinical testing. Allele origin: germline. Affected: yes.

Blueprint Genetics
Classification: Likely benign. Last evaluated: 2024-11-22. Review status: criteria provided, single submitter. Criteria: ACMG Guidelines, 2015. Collection method: clinical testing. Allele origin: germline.

CeGaT Center for Human Genetics Tuebingen
Classification: Likely benign. Last evaluated: 2022-04-01. Review status: criteria provided, single submitter. Criteria: CeGaT Center For Human Genetics Tuebingen Variant Classification Criteria Version 2. Collection method: clinical testing. Allele origin: germline. Affected: yes. Observed: 3 variant alleles.
Comment: LIG1: BP4

Breakthrough Genomics
Classification: Benign. Review status: criteria provided, single submitter. Criteria: ACMG Guidelines, 2015. Collection method: not provided. Allele origin: germline. Inheritance: Autosomal recessive inheritance. Affected: yes.

Clinical Genetics DNA and cytogenetics Diagnostics Lab, Erasmus MC, Erasmus Medical Center
Classification: Likely benign. Review status: no assertion criteria provided. Collection method: clinical testing. Allele origin: germline. Affected: yes. Study: VKGL Data-share Consensus. Not counted in ClinVar's aggregate classification.

Genome Diagnostics Laboratory, University Medical Center Utrecht
Classification: Likely benign. Review status: no assertion criteria provided. Collection method: clinical testing. Allele origin: germline. Affected: yes. Study: VKGL Data-share Consensus. Not counted in ClinVar's aggregate classification.

NM_000234.3(LIG1):c.108-5T>C

Gene: LIG1 (DNA ligase 1; minus strand). Cytogenetic location: 19q13.33.
Variant type: single nucleotide variant.
Coding change: c.108-5T>C on transcript NM_000234.3 (MANE Select); 5 bases into the intron before coding-DNA position 108, T replaced by C.
Molecular consequence: intron variant.
Genome position (GRCh38, 1-based): chr19:48,161,512, A>G on the plus strand (T>C on the coding strand, the complement: LIG1 is on the minus strand). VCF-style: chr19-48161512-A-G. GRCh37 (hg19) VCF-style: chr19-48664769-A-G.
Other names: c.18-5T>C (NM_001289063.2, NM_001320971.2); c.108-5T>C (NM_001289064.2, NM_001320970.2).
Identifiers: ClinVar variation 1165306 (VCV001165306.37), dbSNP rs200668350, ClinGen allele CA9547421.